The following is an entry in ClinVar:

NM_001457.4(FLNB):c.1450A>C (p.Ser484Arg)

Gene: FLNB (filamin B; plus strand). Cytogenetic location: 3p14.3.
Variant type: single nucleotide variant.
Coding change: c.1450A>C on transcript NM_001457.4 (MANE Select); coding-DNA position 1450, A replaced by C.
Protein change: p.Ser484Arg; replaces serine 484 with arginine.
Molecular consequence: missense variant.
Genome position (GRCh38, 1-based): chr3:58,102,307, A>C. VCF-style: chr3-58102307-A-C. GRCh37 (hg19) VCF-style: chr3-58088034-A-C.
Other names: c.1450A>C, p.Ser484Arg (NM_001164317.2, NM_001164318.2, NM_001164319.2); c.1450A>C (NM_001457.3); short protein forms S484R.
Identifiers: ClinVar variation 1487751 (VCV001487751.9), dbSNP rs1576720627, ClinGen allele CA353338055.

ClinVar aggregate classification (germline): Uncertain significance. Review status: criteria provided, multiple submitters, no conflicts (2 of 4 stars). 2 submissions from 2 submitters: Uncertain significance (2). Last evaluated 2024-03-15.

Conditions:
Inborn genetic diseases. Identifiers: MedGen C0950123, MeSH D030342.

Allele frequency attached by ClinVar (database versions not stated): gnomAD exomes below 0.00001; TOPMed 0.00001.
gnomAD v4.1: 10 of 1,614,184 alleles (0.00062%); highest among the groups gnomAD compares: South Asian, 0.0077%; no homozygotes.

Submissions (2):

Ambry Genetics
Classification: Uncertain significance for Inborn genetic diseases. Last evaluated: 2024-03-15. Review status: criteria provided, single submitter. Criteria: Ambry Variant Classification Scheme 2023. Collection method: clinical testing. Allele origin: germline.

Labcorp Genetics (formerly Invitae), Labcorp
Classification: Uncertain significance. Last evaluated: 2021-06-07. Review status: criteria provided, single submitter. Criteria: Invitae Variant Classification Sherloc (09022015). Collection method: clinical testing. Allele origin: germline.
Comment: This sequence change replaces serine with arginine at codon 484 of the FLNB protein (p.Ser484Arg). The serine residue is highly conserved and there is a moderate physicochemical difference between serine and arginine. This variant is not present in population databases (ExAC no frequency). This variant has not been reported in the literature in individuals with FLNB-related conditions. Algorithms developed to predict the effect of missense changes on protein structure and function (SIFT, PolyPhen-2, Align-GVGD) all suggest that this variant is likely to be disruptive, but these predictions have not been confirmed by published functional studies and their clinical significance is uncertain. In summary, the available evidence is currently insufficient to determine the role of this variant in disease. Therefore, it has been classified as a Variant of Uncertain Significance.